The following is an entry in ClinVar:

NM_015426.5(POC1A):c.430C>T (p.His144Tyr)

Gene: POC1A (POC1 centriolar protein A; minus strand). Cytogenetic location: 3p21.2.
Variant type: single nucleotide variant.
Coding change: c.430C>T on transcript NM_015426.5 (MANE Select); coding-DNA position 430, C replaced by T.
Protein change: p.His144Tyr; replaces histidine 144 with tyrosine.
Molecular consequence: missense variant.
Genome position (GRCh38, 1-based): chr3:52,149,235, G>A on the plus strand (C>T on the coding strand, the complement: POC1A is on the minus strand). VCF-style: chr3-52149235-G-A. GRCh37 (hg19) VCF-style: chr3-52183251-G-A.
Other names: c.430C>T, p.His144Tyr (NM_001161580.2); c.316C>T, p.His106Tyr (NM_001161581.2); short protein forms H144Y, H106Y.
Identifiers: ClinVar variation 1483016 (VCV001483016.6), dbSNP rs2107204045, ClinGen allele CA353049153.

ClinVar aggregate classification (germline): Uncertain significance (1 of 4 stars; one submission).

Submission:

Labcorp Genetics (formerly Invitae), Labcorp
Classification: Uncertain significance. Last evaluated: 2023-09-28. Review status: criteria provided, single submitter. Criteria: Invitae Variant Classification Sherloc (09022015). Collection method: clinical testing. Allele origin: germline.
Comment: This variant is not present in population databases (gnomAD no frequency). This variant has not been reported in the literature in individuals affected with POC1A-related conditions. ClinVar contains an entry for this variant (Variation ID: 1483016). Advanced modeling of protein sequence and biophysical properties (such as structural, functional, and spatial information, amino acid conservation, physicochemical variation, residue mobility, and thermodynamic stability) performed at Invitae indicates that this missense variant is expected to disrupt POC1A protein function. In summary, the available evidence is currently insufficient to determine the role of this variant in disease. Therefore, it has been classified as a Variant of Uncertain Significance. This sequence change replaces histidine with tyrosine at codon 144 of the POC1A protein (p.His144Tyr). There is a moderate physicochemical difference between histidine and tyrosine.